The following is an entry in ClinVar:

NM_001395656.1(ROBO2):c.2054C>A (p.Thr685Lys)

Genes: ROBO2 (roundabout guidance receptor 2; plus strand), LOC126806727 (BRD4-independent group 4 enhancer GRCh37_chr3:77623115-77624314; plus strand). Cytogenetic location: 3p12.3.
Variant type: single nucleotide variant.
Coding change: c.2054C>A on transcript NM_001395656.1 (MANE Select); coding-DNA position 2054, C replaced by A.
Protein change: p.Thr685Lys; replaces threonine 685 with lysine.
Molecular consequence: missense variant.
Genome position (GRCh38, 1-based): chr3:77,574,569, C>A. VCF-style: chr3-77574569-C-A. GRCh37 (hg19) VCF-style: chr3-77623720-C-A.
Other names: c.2090C>A, p.Thr697Lys (NM_001128929.3); c.2054C>A, p.Thr685Lys (NM_001290039.2, NM_001290040.2, NM_001378202.1); c.263C>A, p.Thr88Lys (NM_001290065.2); c.2102C>A, p.Thr701Lys (NM_001378190.1, NM_001378191.1, NM_001378195.1 and 4 more transcripts); c.2123C>A, p.Thr708Lys (NM_001378192.1, NM_001378194.1, NM_001378198.1 and 2 more transcripts); c.2042C>A, p.Thr681Lys (NM_001378193.1, NM_001378197.1, NM_002942.5); c.2111C>A, p.Thr704Lys (NM_001394212.1, NM_001394214.1, NM_001395657.1); short protein forms T681K, T685K, T697K, T701K, T704K, T708K, T88K.
Identifiers: ClinVar variation 2506733 (VCV002506733.1), dbSNP rs867718297, ClinGen allele CA353521959.

ClinVar aggregate classification (germline): Uncertain significance (1 of 4 stars; one submission).

Submission:

GeneDx
Classification: Uncertain significance. Last evaluated: 2022-12-23. Review status: criteria provided, single submitter. Criteria: GeneDx Variant Classification Process June 2021. Collection method: clinical testing. Allele origin: germline. Affected: yes.
Comment: Not observed at significant frequency in large population cohorts (gnomAD); In silico analysis supports that this missense variant does not alter protein structure/function; Has not been previously published as pathogenic or benign to our knowledge